The following is an entry in ClinVar:

ClinVar aggregate classification (germline): Uncertain significance (1 of 4 stars; one submission).

Conditions:
Alpha-N-acetylgalactosaminidase deficiency type 1. Also called: SCHINDLER DISEASE, TYPE I; ALPHA-N-ACETYLGALACTOSAMINIDASE DEFICIENCY, TYPE I; NAGA DEFICIENCY, TYPE I; NEUROAXONAL DYSTROPHY, SCHINDLER TYPE. Identifiers: Orphanet 3137, Orphanet 79279, Orphanet 79281, MedGen C1836544, MONDO:0012221, OMIM 609241.

Allele frequency attached by ClinVar (database versions not stated): ESP Exome Variant Server 0.00015.
gnomAD v4.1: 63 of 1,612,584 alleles (0.0039%); highest among the groups gnomAD compares: Non-Finnish European, 0.0051%; no homozygotes.

Submission:

Labcorp Genetics (formerly Invitae), Labcorp
Classification: Uncertain significance for Alpha-N-acetylgalactosaminidase deficiency type 1. Last evaluated: 2021-08-25. Review status: criteria provided, single submitter. Criteria: Invitae Variant Classification Sherloc (09022015). Collection method: clinical testing. Allele origin: germline.
Comment: This sequence change replaces arginine with glycine at codon 97 of the NAGA protein (p.Arg97Gly). The arginine residue is highly conserved and there is a moderate physicochemical difference between arginine and glycine. This variant is present in population databases (rs140775168, ExAC 0.004%). This variant has not been reported in the literature in individuals affected with NAGA-related conditions. Algorithms developed to predict the effect of missense changes on protein structure and function are either unavailable or do not agree on the potential impact of this missense change (SIFT: "Deleterious"; PolyPhen-2: "Probably Damaging"; Align-GVGD: "Class C0"). In summary, the available evidence is currently insufficient to determine the role of this variant in disease. Therefore, it has been classified as a Variant of Uncertain Significance.

NM_000262.3(NAGA):c.289C>G (p.Arg97Gly)

Genes: NAGA (alpha-N-acetylgalactosaminidase; minus strand), LOC126863160 (CDK7 strongly-dependent group 2 enhancer GRCh37_chr22:42462918-42464117; plus strand). Cytogenetic location: 22q13.2.
Variant type: single nucleotide variant.
Coding change: c.289C>G on transcript NM_000262.3 (MANE Select); coding-DNA position 289, C replaced by G.
Protein change: p.Arg97Gly; replaces arginine 97 with glycine.
Molecular consequence: missense variant.
Genome position (GRCh38, 1-based): chr22:42,067,800, G>C on the plus strand (C>G on the coding strand, the complement: NAGA is on the minus strand). VCF-style: chr22-42067800-G-C. GRCh37 (hg19) VCF-style: chr22-42463804-G-C.
Other names: c.289C>G, p.Arg97Gly (NM_001362848.1, NM_001362850.1); short protein forms R97G.
Identifiers: ClinVar variation 1413272 (VCV001413272.3), dbSNP rs140775168, ClinGen allele CA10263884.